The following is an entry in ClinVar:

NC_000023.10:g.(?_31627738)_(31747885_?)del

Gene: DMD (dystrophin; minus strand). Cytogenetic location: Xp21.1.
Variant type: Deletion.
Identifiers: ClinVar variation 455799 (VCV000455799.1).

ClinVar aggregate classification (germline): Pathogenic (1 of 4 stars; one submission).

Conditions:
Duchenne muscular dystrophy (DMD). Also called: MUSCULAR DYSTROPHY, PSEUDOHYPERTROPHIC PROGRESSIVE, DUCHENNE TYPE; Duchenne Muscular Dystrophy (DMD). Identifiers: Orphanet 98896, MedGen C0013264, MONDO:0010679, OMIM 310200.

Submission:

Labcorp Genetics (formerly Invitae), Labcorp
Classification: Pathogenic for Duchenne muscular dystrophy. Last evaluated: 2017-03-17. Review status: criteria provided, single submitter. Criteria: Invitae Variant Classification Sherloc (09022015). Collection method: clinical testing. Allele origin: germline.
Comment: This variant is an in-frame deletion of the genomic region encompassing exons 52-55 of the DMD gene. It preserves the integrity of the reading frame. Deletion of exons 52-55 has been reported in the literature in a family affected with Becker or Duchenne muscular dystrophy (PMID: 19475718). In addition, in-frame deletions of exons 52-53 have been reported in individuals affected with Becker or Duchenne muscular dystrophy (PMID: Â¬â€ (PMID: 21969337, 16834926). For these reasons, this variant has been classified as Pathogenic.